The following is an entry in ClinVar:

NM_000245.4(MET):c.1485A>G (p.Thr495=)

Gene: MET (MET proto-oncogene, receptor tyrosine kinase; plus strand). Cytogenetic location: 7q31.2.
Variant type: single nucleotide variant.
Coding change: c.1485A>G on transcript NM_000245.4 (MANE Select); coding-DNA position 1485, A replaced by G.
Protein change: p.Thr495=; no amino-acid change (threonine 495 retained).
Molecular consequence: synonymous variant.
Genome position (GRCh38, 1-based): chr7:116,740,042, A>G. VCF-style: chr7-116740042-A-G. GRCh37 (hg19) VCF-style: chr7-116380096-A-G.
Other names: c.1485A>G, p.Thr495= (NM_001127500.3, NM_001324401.3); c.195A>G, p.Thr65= (NM_001324402.2).
Identifiers: ClinVar variation 215786 (VCV000215786.13), dbSNP rs760256871, ClinGen allele CA337275.

ClinVar aggregate classification (germline): Benign/Likely benign. Review status: criteria provided, multiple submitters, no conflicts (2 of 4 stars). 3 submissions from 3 submitters: Benign (1); Likely benign (2). Last evaluated 2024-11-07.

Conditions:
Renal cell carcinoma. Identifiers: Orphanet 217071, MedGen C0007134, MeSH D002292, MONDO:0005086, HP:0005584.
Papillary renal cell carcinoma type 1 (RCCP1). Also called: RENAL CELL CARCINOMA, PAPILLARY, 1, SOMATIC; Renal adenocarcinoma; Renal cell carcinoma 1; Renal cell carcinoma, somatic. Identifiers: Orphanet 47044, MedGen C1336839, OMIM 605074, HP:0011797.

gnomAD v4.1: 1 of 1,614,176 alleles (0.000062%); highest among the groups gnomAD compares: Non-Finnish European, 0.000085%; no homozygotes.

Submissions (3):

Myriad Genetics, Inc.
Classification: Benign for Papillary renal cell carcinoma type 1. Last evaluated: 2024-11-07. Review status: criteria provided, single submitter. Criteria: Myriad Autosomal Dominant, Autosomal Recessive and X-Linked Classification Criteria (2023). Collection method: clinical testing. Allele origin: unknown.
Comment: This variant is considered benign. This variant is a silent/synonymous amino acid change and it is not expected to impact splicing.

Blueprint Genetics
Classification: Likely benign. Last evaluated: 2024-03-14. Review status: criteria provided, single submitter. Criteria: ACMG Guidelines, 2015. Collection method: clinical testing. Allele origin: germline.

Labcorp Genetics (formerly Invitae), Labcorp
Classification: Likely benign for Renal cell carcinoma. Last evaluated: 2023-12-06. Review status: criteria provided, single submitter. Criteria: Invitae Variant Classification Sherloc (09022015). Collection method: clinical testing. Allele origin: germline.